The following is an entry in ClinVar:

ClinVar aggregate classification (germline): Uncertain significance (1 of 4 stars; one submission).

Allele frequency attached by ClinVar (database versions not stated): gnomAD exomes below 0.00001 and 0.00001; TOPMed below 0.00001.

Submission:

Labcorp Genetics (formerly Invitae), Labcorp
Classification: Uncertain significance. Last evaluated: 2022-11-08. Review status: criteria provided, single submitter. Criteria: Invitae Variant Classification Sherloc (09022015). Collection method: clinical testing. Allele origin: germline.
Comment: In summary, the available evidence is currently insufficient to determine the role of this variant in disease. Therefore, it has been classified as a Variant of Uncertain Significance. Algorithms developed to predict the effect of missense changes on protein structure and function are either unavailable or do not agree on the potential impact of this missense change (SIFT: "Deleterious"; PolyPhen-2: "Possibly Damaging"; Align-GVGD: "Class C15"). ClinVar contains an entry for this variant (Variation ID: 1359938). This variant has not been reported in the literature in individuals affected with ZNF513-related conditions. This variant is present in population databases (no rsID available, gnomAD 0.002%). This sequence change replaces glutamine, which is neutral and polar, with histidine, which is basic and polar, at codon 170 of the ZNF513 protein (p.Gln170His).

NM_144631.6(ZNF513):c.510G>C (p.Gln170His)

Gene: ZNF513 (zinc finger protein 513; minus strand). Cytogenetic location: 2p23.3.
Variant type: single nucleotide variant.
Coding change: c.510G>C on transcript NM_144631.6 (MANE Select); coding-DNA position 510, G replaced by C.
Protein change: p.Gln170His; replaces glutamine 170 with histidine.
Molecular consequence: missense variant.
Genome position (GRCh38, 1-based): chr2:27,378,756, C>G on the plus strand (G>C on the coding strand, the complement: ZNF513 is on the minus strand). VCF-style: chr2-27378756-C-G. GRCh37 (hg19) VCF-style: chr2-27601623-C-G.
Other names: c.324G>C, p.Gln108His (NM_001201459.2); short protein forms Q170H, Q108H.
Identifiers: ClinVar variation 1359938 (VCV001359938.8), dbSNP rs1366218914, ClinGen allele CA346218229.
Genomic context (GRCh38, chr2:27,378,756, plus strand): 5'-GAGCTGGGCTGAGGCGTAGGGGCAGCGGCCACAGCGGAACGGCTTCTCTCCGCTGTGTGT[C>G]TGCATGTGCCGCTTCAGGTGGCTCGAGTAGTGGGACACGAAGGTGCAGAGGCGGCATGAG-3'
Protein context (NP_653232.3, residues 160-180): HYSSHLKRHM[Gln170His]THSGEKPFRC